The following is an entry in ClinVar:

ClinVar aggregate classification (germline): Uncertain significance (1 of 4 stars; one submission).

gnomAD v4.1: 1 of 1,614,190 alleles (0.000062%); highest among the groups gnomAD compares: Non-Finnish European, 0.000085%; no homozygotes.

Submission:

Women's Health and Genetics/Laboratory Corporation of America, LabCorp
Classification: Uncertain significance. Last evaluated: 2025-05-20. Review status: criteria provided, single submitter. Criteria: LabCorp Variant Classification Summary - May 2015. Collection method: clinical testing. Allele origin: germline.
Comment: Variant summary: NLRC4 c.1204T>C (p.Phe402Leu) results in a non-conservative amino acid change in the encoded protein sequence. Algorithms developed to predict the effect of missense changes on protein structure and function are either unavailable or do not agree on the potential impact of this missense change. The variant was absent in 251312 control chromosomes. The available data on variant occurrences in the general population are insufficient to allow any conclusion about variant significance. To our knowledge, no occurrence of c.1204T>C in individuals affected with Periodic fever-infantile enterocolitis-autoinflammatory syndrome and no experimental evidence demonstrating its impact on protein function have been reported. No submitters have cited clinical-significance assessments for this variant to ClinVar. Based on the evidence outlined above, the variant was classified as uncertain significance.

NM_001199138.2(NLRC4):c.1204T>C (p.Phe402Leu)

Gene: NLRC4 (NLR family CARD domain containing 4; minus strand). Cytogenetic location: 2p22.3.
Variant type: single nucleotide variant.
Coding change: c.1204T>C on transcript NM_001199138.2 (MANE Select); coding-DNA position 1204, T replaced by C.
Protein change: p.Phe402Leu; replaces phenylalanine 402 with leucine.
Molecular consequence: missense variant. On other transcripts: intron variant (1).
Genome position (GRCh38, 1-based): chr2:32,250,660, A>G on the plus strand (T>C on the coding strand, the complement: NLRC4 is on the minus strand). VCF-style: chr2-32250660-A-G. GRCh37 (hg19) VCF-style: chr2-32475729-A-G.
Other names: c.1204T>C, p.Phe402Leu (NM_001199139.2, NM_021209.5); c.262+1759T>C (NM_001302504.1); short protein forms F402L.
Identifiers: ClinVar variation 3902093 (VCV003902093.1).
Genomic context (GRCh38, chr2:32,250,660, plus strand): 5'-GCAGGACATCCTCATTCACGCTGGACACATCCTGCAGTTCGAAATCAAACTTGTGGGAGA[A>G]CACACCCTCCAGAGCTAGGTCTCCACAGTGGTCCAGGCTCCGAATGAAGTCACTTGCAGC-3'
Protein context (NP_001186067.1, residues 392-412): HCGDLALEGV[Phe402Leu]SHKFDFELQD